The following is an entry in ClinVar:

NM_020247.5(COQ8A):c.594C>T (p.Ser198=)

Gene: COQ8A (coenzyme Q8A; plus strand). Cytogenetic location: 1q42.13.
Variant type: single nucleotide variant.
Coding change: c.594C>T on transcript NM_020247.5 (MANE Select); coding-DNA position 594, C replaced by T.
Protein change: p.Ser198=; no amino-acid change (serine 198 retained).
Molecular consequence: synonymous variant.
Genome position (GRCh38, 1-based): chr1:226,965,676, C>T. VCF-style: chr1-226965676-C-T. GRCh37 (hg19) VCF-style: chr1-227153377-C-T.
Identifiers: ClinVar variation 384768 (VCV000384768.5), dbSNP rs138547552, ClinGen allele CA1425072.

ClinVar aggregate classification (germline): Likely benign. Review status: criteria provided, multiple submitters, no conflicts (2 of 4 stars). 2 submissions from 2 submitters: Likely benign (2). Last evaluated 2025-04-23.

Allele frequency attached by ClinVar (database versions not stated): TOPMed 0.00005; ESP Exome Variant Server 0.00015; gnomAD 0.00002 and 0.00003; gnomAD exomes 0.00002; ExAC 0.00003.
gnomAD v4.1: 40 of 1,613,916 alleles (0.0025%); highest among the groups gnomAD compares: African/African-American, 0.008%; no homozygotes.

Submissions (2):

Labcorp Genetics (formerly Invitae), Labcorp
Classification: Likely benign. Last evaluated: 2025-04-23. Review status: criteria provided, single submitter. Criteria: Invitae Variant Classification Sherloc (09022015). Collection method: clinical testing. Allele origin: germline.

GeneDx
Classification: Likely benign. Last evaluated: 2016-04-04. Review status: criteria provided, single submitter. Criteria: GeneDx Variant Classification (06012015). Collection method: clinical testing. Allele origin: germline. Affected: yes.
Comment: This variant is considered likely benign or benign based on one or more of the following criteria: it is a conservative change, it occurs at a poorly conserved position in the protein, it is predicted to be benign by multiple in silico algorithms, and/or has population frequency not consistent with disease.